The following is an entry in ClinVar:

NM_001276270.2(MBD4):c.36G>A (p.Gly12=)

Genes: MBD4 (methyl-CpG binding domain 4, DNA glycosylase; minus strand), LOC129937550 (ATAC-STARR-seq lymphoblastoid active region 20512; plus strand). Cytogenetic location: 3q21.3.
Variant type: single nucleotide variant.
Coding change: c.36G>A on transcript NM_001276270.2 (MANE Select); coding-DNA position 36, G replaced by A.
Protein change: p.Gly12=; no amino-acid change (glycine 12 retained).
Molecular consequence: synonymous variant.
Genome position (GRCh38, 1-based): chr3:129,439,798, C>T on the plus strand (G>A on the coding strand, the complement: MBD4 is on the minus strand). VCF-style: chr3-129439798-C-T. GRCh37 (hg19) VCF-style: chr3-129158641-C-T.
Other names: c.36G>A, p.Gly12= (NM_001276271.2, NM_001276272.2, NM_001276273.2 and 1 more transcripts).
Identifiers: ClinVar variation 3682401 (VCV003682401.4).

ClinVar aggregate classification (germline): Benign/Likely benign. Review status: criteria provided, multiple submitters, no conflicts (2 of 4 stars). 3 submissions from 3 submitters: Benign (1); Likely benign (2). Last evaluated 2026-06-09.

Conditions:
Tumor predisposition syndrome 2 (TPDS2). Also called: MBD4-Related Tumor Predisposition Syndrome; MBD4-associated neoplasia syndrome (MANS); MBD4-ASSOCIATED NEOPLASIA SYNDROME. Identifiers: Orphanet 661526, MedGen C5774186, MONDO:0859267, OMIM 619975.
Inborn genetic diseases. Identifiers: MedGen C0950123, MeSH D030342.

Submissions (3):

Myriad Genetics, Inc.
Classification: Benign for Tumor predisposition syndrome 2. Last evaluated: 2026-06-09. Review status: criteria provided, single submitter. Criteria: Myriad Autosomal Dominant, Autosomal Recessive and X-Linked Classification Criteria (2023). Collection method: clinical testing. Allele origin: unknown.
Comment: This variant is considered benign. This variant is a silent/synonymous amino acid change and it is not expected to impact splicing.

Ambry Genetics
Classification: Likely benign for Inborn genetic diseases. Last evaluated: 2025-09-19. Review status: criteria provided, single submitter. Criteria: Ambry Variant Classification Scheme 2023. Collection method: clinical testing. Allele origin: germline.

Labcorp Genetics (formerly Invitae), Labcorp
Classification: Likely benign. Last evaluated: 2025-04-11. Review status: criteria provided, single submitter. Criteria: Invitae Variant Classification Sherloc (09022015). Collection method: clinical testing. Allele origin: germline.